The following is an entry in ClinVar:

NM_002471.4(MYH6):c.-14+1G>C

Genes: MYH6 (myosin heavy chain 6; minus strand), LOC114827851 (VISTA enhancer hs2155; plus strand). Cytogenetic location: 14q11.2.
Variant type: single nucleotide variant.
Coding change: c.-14+1G>C on transcript NM_002471.4 (MANE Select); the canonical splice donor site of the intron after 14 bases upstream of the start codon, G replaced by C.
Molecular consequence: splice donor variant.
Genome position (GRCh38, 1-based): chr14:23,407,575, C>G on the plus strand (G>C on the coding strand, the complement: MYH6 is on the minus strand). VCF-style: chr14-23407575-C-G. GRCh37 (hg19) VCF-style: chr14-23876784-C-G.
Identifiers: ClinVar variation 2499436 (VCV002499436.1), dbSNP rs907565383, ClinGen allele CA257800811.
Genomic context (GRCh38, chr14:23,407,575, plus strand): 5'-AATCCGGCTCCCAGGAGAAGCATGCCCCAGTCTCTGCAGAGAAAATGGGGGCAGTTCTCA[C>G]CTGGTTATCCCTTCACGGAGAATCCTGAAGAATCTGGACCGTGGGTGGAGCAAGGAACAA-3'

ClinVar aggregate classification (germline): Uncertain significance (1 of 4 stars; one submission).

Allele frequency attached by ClinVar (database versions not stated): gnomAD exomes 0.00002.
gnomAD v4.1: 5 of 1,206,984 alleles (0.00041%); highest among the groups gnomAD compares: Non-Finnish European, 0.00052%; no homozygotes.

Submission:

GeneDx
Classification: Uncertain significance. Last evaluated: 2023-04-04. Review status: criteria provided, single submitter. Criteria: GeneDx Variant Classification Process June 2021. Collection method: clinical testing. Allele origin: germline. Affected: yes.
Comment: Canonical splice site variant in a gene or region of a gene for which loss of function is not a well-established mechanism of disease; Has not been previously published as pathogenic or benign to our knowledge; No data available from control populations to assess the frequency of this variant